The following is an entry in ClinVar:

ClinVar aggregate classification (germline): Likely benign. Review status: criteria provided, multiple submitters, no conflicts (2 of 4 stars). 3 submissions from 3 submitters: Likely benign (2). 1 of the submissions does not count toward it. Last evaluated 2026-01-02.

Conditions:
RIN2-related disorder. Also called: RIN2-related condition.

Allele frequency attached by ClinVar (database versions not stated): TOPMed 0.00002; gnomAD 0.00006.
gnomAD v4.1: 15 of 1,613,610 alleles (0.00093%); highest among the groups gnomAD compares: African/African-American, 0.0053%; no homozygotes.

Submissions (3):

Labcorp Genetics (formerly Invitae), Labcorp
Classification: Likely benign. Last evaluated: 2026-01-02. Review status: criteria provided, single submitter. Criteria: Invitae Variant Classification Sherloc (09022015). Collection method: clinical testing. Allele origin: germline.

GeneDx
Classification: Likely benign. Last evaluated: 2018-01-16. Review status: criteria provided, single submitter. Criteria: GeneDx Variant Classification (06012015). Collection method: clinical testing. Allele origin: germline. Affected: yes.
Comment: This variant is considered likely benign or benign based on one or more of the following criteria: it is a conservative change, it occurs at a poorly conserved position in the protein, it is predicted to be benign by multiple in silico algorithms, and/or has population frequency not consistent with disease.

PreventionGenetics, part of Exact Sciences
Classification: Likely benign for RIN2-related condition. Last evaluated: 2023-08-07. Review status: no assertion criteria provided. Collection method: clinical testing. Allele origin: germline. Not counted in ClinVar's aggregate classification.
Comment: This variant is classified as likely benign based on ACMG/AMP sequence variant interpretation guidelines (Richards et al. 2015 PMID: 25741868, with internal and published modifications).

NM_018993.4(RIN2):c.903G>T (p.Thr301=)

Gene: RIN2 (Ras and Rab interactor 2; plus strand). Cytogenetic location: 20p11.23.
Variant type: single nucleotide variant.
Coding change: c.903G>T on transcript NM_018993.4 (MANE Select); coding-DNA position 903, G replaced by T.
Protein change: p.Thr301=; no amino-acid change (threonine 301 retained).
Molecular consequence: synonymous variant.
Genome position (GRCh38, 1-based): chr20:19,974,928, G>T. VCF-style: chr20-19974928-G-T. GRCh37 (hg19) VCF-style: chr20-19955572-G-T.
Other names: c.1050G>T, p.Thr350= (NM_001242581.2); c.285G>T, p.Thr95= (NM_001378238.1); c.1050G>T (NM_001242581.1).
Identifiers: ClinVar variation 514830 (VCV000514830.7), dbSNP rs756921810, ClinGen allele CA9779962.
Genomic context (GRCh38, chr20:19,974,928, plus strand): 5'-CCAGGACCTCAGTGGAGGCCTGAAACGGCCGAGCACAAGGACTCCCAACGCGAATGGCAC[G>T]GAGCGGACTCGGTCCCCCCCACCCAGGCCCCCGCCACCCGCTATTAATAGTCTCCACACA-3'
Protein context (NP_061866.1, residues 291-311): PSTRTPNANG[Thr301=]ERTRSPPPRP